The following is an entry in ClinVar:

NM_001040108.2(MLH3):c.467C>T (p.Pro156Leu)

Gene: MLH3 (mutL homolog 3; minus strand). Cytogenetic location: 14q24.3.
Variant type: single nucleotide variant.
Coding change: c.467C>T on transcript NM_001040108.2 (MANE Select); coding-DNA position 467, C replaced by T.
Protein change: p.Pro156Leu; replaces proline 156 with leucine.
Molecular consequence: missense variant.
Genome position (GRCh38, 1-based): chr14:75,049,189, G>A on the plus strand (C>T on the coding strand, the complement: MLH3 is on the minus strand). VCF-style: chr14-75049189-G-A. GRCh37 (hg19) VCF-style: chr14-75515892-G-A.
Other names: c.467C>T, p.Pro156Leu (NM_014381.3); short protein forms P156L.
Identifiers: ClinVar variation 2448651 (VCV002448651.2), dbSNP rs2503327177, ClinGen allele CA390450131.
Genomic context (GRCh38, chr14:75,049,189, plus strand): 5'-TCTATTCTCTGCCTAACCTTCTCAAACTCCAGTCTAGGGTCCATGCATTTCCTCCTTACA[G>A]GAAGCTGGTAAAATAGGTTATACACTGTTACAGTAGTCCCAGCGCTTGCTCTAGTCACAT-3'
Protein context (NP_001035197.1, residues 146-166): VTVYNLFYQL[Pro156Leu]VRRKCMDPRL

ClinVar aggregate classification (germline): Uncertain significance (1 of 4 stars; one submission).

Allele frequency attached by ClinVar (database versions not stated): gnomAD exomes below 0.00001.
gnomAD v4.1: 1 of 1,614,158 alleles (0.000062%); highest among the groups gnomAD compares: Non-Finnish European, 0.000085%; no homozygotes.

Submission:

Ambry Genetics
Classification: Uncertain significance. Last evaluated: 2023-01-16. Review status: criteria provided, single submitter. Criteria: Ambry Variant Classification Scheme 2023. Collection method: clinical testing. Allele origin: germline.
Comment: The p.P156L variant (also known as c.467C>T), located in coding exon 1 of the MLH3 gene, results from a C to T substitution at nucleotide position 467. The proline at codon 156 is replaced by leucine, an amino acid with similar properties. This amino acid position is conserved. In addition, this alteration is predicted to be deleterious by in silico analysis. Since supporting evidence is limited at this time, the clinical significance of this alteration remains unclear.